The following is an entry in ClinVar:

NM_001025295.2(IFITM5):c.-259C>T

Gene: IFITM5 (interferon induced transmembrane protein 5; minus strand). Cytogenetic location: 11p15.5.
Variant type: single nucleotide variant.
Coding change: c.-259C>T on transcript NM_001025295.2; 259 bases upstream of the start codon, C replaced by T.
Genome position (GRCh38, 1-based): chr11:299,749, G>A on the plus strand (C>T on the coding strand, the complement: IFITM5 is on the minus strand). VCF-style: chr11-299749-G-A. GRCh37 (hg19) VCF-style: chr11-299749-G-A.
Identifiers: ClinVar variation 667612 (VCV000667612.3), dbSNP rs112961915, ClinGen allele CA16407083.

ClinVar aggregate classification (germline): Benign (1 of 4 stars; one submission).

Allele frequency attached by ClinVar (database versions not stated): TOPMed 0.21816; gnomAD 0.25441 and 0.25062; 1000 Genomes Project 30x 0.12867; 1000 Genomes Project 0.12859.

Submission:

GeneDx
Classification: Benign. Last evaluated: 2018-06-19. Review status: criteria provided, single submitter. Criteria: GeneDx Variant Classification (06012015). Collection method: clinical testing. Allele origin: germline. Affected: yes.
Comment: This variant is considered likely benign or benign based on one or more of the following criteria: it is a conservative change, it occurs at a poorly conserved position in the protein, it is predicted to be benign by multiple in silico algorithms, and/or has population frequency not consistent with disease.